The following is an entry in ClinVar:

NM_001267550.2(TTN):c.64174C>T (p.Arg21392Cys)

Genes: TTN-AS1 (TTN antisense RNA 1; plus strand), TTN (titin; minus strand). Cytogenetic location: 2q31.2.
Variant type: single nucleotide variant.
Coding change: c.64174C>T on transcript NM_001267550.2 (MANE Select); coding-DNA position 64174, C replaced by T.
Protein change: p.Arg21392Cys; replaces arginine 21392 with cysteine.
Molecular consequence: missense variant.
Genome position (GRCh38, 1-based): chr2:178,586,727, G>A on the plus strand (C>T on the coding strand, the complement: TTN is on the minus strand). VCF-style: chr2-178586727-G-A. GRCh37 (hg19) VCF-style: chr2-179451454-G-A.
Other names: p.R19751C:CGT>TGT; c.59251C>T, p.Arg19751Cys (NM_001256850.1); c.36979C>T, p.Arg12327Cys (NM_003319.4); c.56470C>T, p.Arg18824Cys (NM_133378.4); c.37354C>T, p.Arg12452Cys (NM_133432.3); c.37555C>T, p.Arg12519Cys (NM_133437.4); short protein forms R21392C, R18824C, R19751C, R12327C, R12452C, R12519C.
Identifiers: ClinVar variation 47208 (VCV000047208.92), dbSNP rs72646859, ClinGen allele CA140336.

ClinVar aggregate classification (germline): Conflicting classifications of pathogenicity. Review status: criteria provided, conflicting classifications (1 of 4 stars). 25 submissions from 21 submitters: Uncertain significance (8); Benign (2); Likely benign (9). 6 of the submissions do not count toward it. Last evaluated 2026-09-01.

Conditions:
TTN-related disorder. Also called: TTN-related disorders; TTN-related condition; TTN-related disease.
Cardiovascular phenotype. Identifiers: MedGen CN230736.
Autosomal recessive limb-girdle muscular dystrophy type 2J (LGMDR10). Also called: MUSCULAR DYSTROPHY, LIMB-GIRDLE, AUTOSOMAL RECESSIVE 10; Limb-girdle muscular dystrophy, type 2J. Identifiers: Orphanet 140922, MedGen C1837342, MONDO:0012127, OMIM 608807.
Dilated cardiomyopathy 1G (CMD1G). Identifiers: Orphanet 154, MedGen C1858763, MONDO:0011400, OMIM 604145.
Cardiomyopathy (CMYO). Also called: Cardiomyopathies. Identifiers: Orphanet 167848, MedGen C0878544, MONDO:0004994, HP:0001638. Inheritance: Various modes of inheritance.
Early-onset myopathy with fatal cardiomyopathy (CMYO5). Also called: CONGENITAL MYOPATHY 5 WITH CARDIOMYOPATHY; Salih Myopathy. Identifiers: Orphanet 289377, MedGen C2673677, MONDO:0012714, OMIM 611705. Disease mechanism: loss of function.
Myopathy, myofibrillar, 9, with early respiratory failure (MFM9). Also called: Myopathy, distal, with early respiratory failure, autosomal dominant; Hereditary myopathy with early respiratory failure; EDSTROM MYOPATHY; MYOPATHY, PROXIMAL, WITH EARLY RESPIRATORY MUSCLE INVOLVEMENT. Identifiers: Orphanet 178464, Orphanet 34521, MedGen C1863599, MONDO:0011362, OMIM 603689.
Tibial muscular dystrophy (TMD). Also called: Tibial muscular dystrophy, tardive; Udd Distal Myopathy – Tibial Muscular Dystrophy; UDD MYOPATHY. Identifiers: Orphanet 609, MedGen C1838244, MONDO:0010870, OMIM 600334.
Hypertrophic cardiomyopathy. Also called: HYPERTROPHIC MYOCARDIOPATHY. Identifiers: Orphanet 217569, MedGen C0007194, MeSH D002312, MONDO:0005045, HP:0001639.

Allele frequency attached by ClinVar (database versions not stated): ExAC 0.00066; ESP Exome Variant Server 0.00082; 1000 Genomes Project 30x 0.00031; gnomAD 0.00054 and 0.00055; TOPMed 0.00059; gnomAD exomes 0.00060.
gnomAD v4.1: 1,291 of 1,613,110 alleles (0.08%); highest among the groups gnomAD compares: East Asian, 0.12%; 1 homozygote.

Submissions (25):

CeGaT Center for Human Genetics Tuebingen
Classification: Likely benign. Last evaluated: 2026-09-01. Review status: criteria provided, single submitter. Criteria: CeGaT Center For Human Genetics Tuebingen Variant Classification Criteria Version 2. Collection method: clinical testing. Allele origin: germline. Affected: yes. Observed: 3 variant alleles.
Comment: TTN: BS1

Labcorp Genetics (formerly Invitae), Labcorp
Classification: Likely benign for Dilated cardiomyopathy 1G; Autosomal recessive limb-girdle muscular dystrophy type 2J. Last evaluated: 2026-02-01. Review status: criteria provided, single submitter. Criteria: Invitae Variant Classification Sherloc (09022015). Collection method: clinical testing. Allele origin: germline.

Mayo Clinic Laboratories, Mayo Clinic
Classification: Uncertain significance. Last evaluated: 2025-04-23. Review status: criteria provided, single submitter. Criteria: ACMG Guidelines, 2015. Collection method: clinical testing. Allele origin: germline. Observed: 5 variant alleles.

Molecular Diagnostic Laboratory for Inherited Cardiovascular Disease, Montreal Heart Institute
Classification: Likely benign. Last evaluated: 2025-04-09. Review status: criteria provided, single submitter. Criteria: ACMG Guidelines, 2015. Collection method: clinical testing. Allele origin: germline. Affected: no.

Blueprint Genetics
Classification: Likely benign. Last evaluated: 2024-10-23. Review status: criteria provided, single submitter. Criteria: ACMG Guidelines, 2015. Collection method: clinical testing. Allele origin: germline.

Clinical Center for Gene Diagnosis and Therapy, Department of Cardiovascular Surgery, The Second Xiangya Hospital of Central South University
Classification: Uncertain significance for Hypertrophic cardiomyopathy. Last evaluated: 2023-06-01. Review status: criteria provided, single submitter. Criteria: ACMG Guidelines, 2015. Collection method: clinical testing. Allele origin: germline. Affected: yes.

Women's Health and Genetics/Laboratory Corporation of America, LabCorp
Classification: Likely benign. Last evaluated: 2021-11-24. Review status: criteria provided, single submitter. Criteria: LabCorp Variant Classification Summary - May 2015. Collection method: clinical testing. Allele origin: germline.

GeneDx
Classification: Likely benign. Last evaluated: 2020-10-05. Review status: criteria provided, single submitter. Criteria: GeneDx Variant Classification Process June 2021. Collection method: clinical testing. Allele origin: germline. Affected: yes.
Comment: This variant is associated with the following publications: (PMID: 23861362, 24503780)

CHEO Genetics Diagnostic Laboratory, Children's Hospital of Eastern Ontario
Classification: Likely benign for Cardiomyopathy. Last evaluated: 2018-01-29. Review status: criteria provided, single submitter. Criteria: ACMG Guidelines, 2015. Collection method: clinical testing. Allele origin: germline.

Illumina Laboratory Services, Illumina
Classification: Benign for Tibial muscular dystrophy. Last evaluated: 2018-01-13. Review status: criteria provided, single submitter. Criteria: ICSL Variant Classification Criteria 13 December 2019. Collection method: clinical testing. Allele origin: germline.
Comment: This variant was observed in the ICSL laboratory as part of a predisposition screen in an ostensibly healthy population. It had not been previously curated by ICSL or reported in the Human Gene Mutation Database (HGMD: prior to June 1st, 2018), and was therefore a candidate for classification through an automated scoring system. Utilizing variant allele frequency, disease prevalence and penetrance estimates, and inheritance mode, an automated score was calculated to assess if this variant is too frequent to cause the disease. Based on the score and internal cut-off values, a variant classified as benign is not then subjected to further curation. The score for this variant resulted in a classification of benign for this disease.

Illumina Laboratory Services, Illumina
Classification: Benign for Myopathy, myofibrillar, 9, with early respiratory failure. Last evaluated: 2018-01-13. Review status: criteria provided, single submitter. Criteria: ICSL Variant Classification Criteria 13 December 2019. Collection method: clinical testing. Allele origin: germline.
Comment: the same text as in the submission from Illumina Laboratory Services, Illumina above.

Illumina Laboratory Services, Illumina
Classification: Uncertain significance for Dilated cardiomyopathy 1G. Last evaluated: 2018-01-13. Review status: criteria provided, single submitter. Criteria: ICSL Variant Classification Criteria 13 December 2019. Collection method: clinical testing. Allele origin: germline.

Illumina Laboratory Services, Illumina
Classification: Uncertain significance for Early-onset myopathy with fatal cardiomyopathy. Last evaluated: 2018-01-13. Review status: criteria provided, single submitter. Criteria: ICSL Variant Classification Criteria 13 December 2019. Collection method: clinical testing. Allele origin: germline.

Illumina Laboratory Services, Illumina
Classification: Uncertain significance for Autosomal recessive limb-girdle muscular dystrophy type 2J. Last evaluated: 2018-01-13. Review status: criteria provided, single submitter. Criteria: ICSL Variant Classification Criteria 13 December 2019. Collection method: clinical testing. Allele origin: germline.

Ambry Genetics
Classification: Likely benign for Cardiovascular phenotype. Last evaluated: 2017-12-04. Review status: criteria provided, single submitter. Criteria: Ambry Variant Classification Scheme 2023. Collection method: clinical testing. Allele origin: germline.

Eurofins Ntd Llc (ga)
Classification: Uncertain significance. Last evaluated: 2017-10-25. Review status: criteria provided, single submitter. Criteria: EGL Classification Definitions 2015. Collection method: clinical testing. Allele origin: germline. Observed: 10 variant alleles, 8 heterozygotes.

Genetic Services Laboratory, University of Chicago
Classification: Uncertain significance. Last evaluated: 2016-12-05. Review status: criteria provided, single submitter. Criteria: ACMG Guidelines, 2015. Collection method: clinical testing. Allele origin: germline. Affected: no.

Biesecker Lab/Clinical Genomics Section, National Institutes of Health
Classification: Likely benign. Last evaluated: 2013-06-24. Review status: criteria provided, single submitter. Criteria: Ng et al. (Circ Cardiovasc Genet. 2013). Collection method: research. Allele origin: unknown. Observed: 2 variant alleles. Study: ClinSeq.
Comment: The study set was not selected for affection status in relation to any cancer. Pathogenicity categories were based on literature curation. See Pubmed ID:23861362 for details.

Medical sequencing

Laboratory for Molecular Medicine, Mass General Brigham Personalized Medicine
Classification: Uncertain significance. Last evaluated: 2012-06-19. Review status: criteria provided, single submitter. Criteria: LMM Criteria. Collection method: clinical testing. Allele origin: germline. Observed: 1 variant allele.
Comment: Variant classified as Uncertain Significance - Favor Benign. The Arg18824Cys var iant in TTN has been identified in 0.15% of European American chromosomes from a broad population by the NHLBI Exome Sequencing Project (n.edu/EVS/; dbSNP rs72646859). Computational analyses (biochemical amino acid pr operties, conservation, AlignGVGD, PolyPhen2, and SIFT) suggest that the Arg1882 4Cys variant may impact the protein, though this information is not predictive e nough to determine pathogenicity. Although the population frequency argues again st a pathogenic role, it is too low to confidently rule out a role in disease. A dditional information is therefore needed to fully assess the clinical significa nce of the Arg18824Cys variant.

PreventionGenetics, part of Exact Sciences
Classification: Likely benign for TTN-related condition. Last evaluated: 2022-12-29. Review status: no assertion criteria provided. Collection method: clinical testing. Allele origin: germline. Not counted in ClinVar's aggregate classification.
Comment: This variant is classified as likely benign based on ACMG/AMP sequence variant interpretation guidelines (Richards et al. 2015 PMID: 25741868, with internal and published modifications).

Clinical Genetics, Academic Medical Center
Classification: Benign. Review status: no assertion criteria provided. Collection method: clinical testing. Allele origin: germline. Affected: yes. Study: VKGL Data-share Consensus. Not counted in ClinVar's aggregate classification.

Diagnostic Laboratory, Department of Genetics, University Medical Center Groningen
Classification: Likely benign. Review status: no assertion criteria provided. Collection method: clinical testing. Allele origin: germline. Affected: yes. Study: VKGL Data-share Consensus. Not counted in ClinVar's aggregate classification.

Genome Diagnostics Laboratory, University Medical Center Utrecht
Classification: Likely benign. Review status: no assertion criteria provided. Collection method: clinical testing. Allele origin: germline. Affected: yes. Study: VKGL Data-share Consensus. Not counted in ClinVar's aggregate classification.

Joint Genome Diagnostic Labs from Nijmegen and Maastricht, Radboudumc and MUMC+
Classification: Likely benign. Review status: no assertion criteria provided. Collection method: clinical testing. Allele origin: germline. Affected: yes. Study: VKGL Data-share Consensus. Not counted in ClinVar's aggregate classification.

Laboratory of Diagnostic Genome Analysis, Leiden University Medical Center (LUMC)
Classification: Likely benign. Review status: no assertion criteria provided. Collection method: clinical testing. Allele origin: germline. Affected: yes. Study: VKGL Data-share Consensus. Not counted in ClinVar's aggregate classification.

Literature cited by the submitters: PubMed 23861362 (cited by Ambry Genetics); PubMed 24503780 (cited by Ambry Genetics).